The following is an entry in ClinVar:

NM_001851.6(COL9A1):c.397A>T (p.Ile133Phe)

Gene: COL9A1 (collagen type IX alpha 1 chain; minus strand). Cytogenetic location: 6q13.
Variant type: single nucleotide variant.
Coding change: c.397A>T on transcript NM_001851.6 (MANE Select); coding-DNA position 397, A replaced by T.
Protein change: p.Ile133Phe; replaces isoleucine 133 with phenylalanine.
Molecular consequence: missense variant.
Genome position (GRCh38, 1-based): chr6:70,294,466, T>A on the plus strand (A>T on the coding strand, the complement: COL9A1 is on the minus strand). VCF-style: chr6-70294466-T-A. GRCh37 (hg19) VCF-style: chr6-71004169-T-A.
Other names: c.397A>T, p.Ile133Phe (NM_001377291.1); c.397A>T (NM_001851.4); short protein forms I133F.
Identifiers: ClinVar variation 2115847 (VCV002115847.6), dbSNP rs1414279319, ClinGen allele CA364671716.

ClinVar aggregate classification (germline): Uncertain significance. Review status: criteria provided, multiple submitters, no conflicts (2 of 4 stars). 3 submissions from 3 submitters: Uncertain significance (3). Last evaluated 2023-09-26.

Allele frequency attached by ClinVar (database versions not stated): gnomAD 0.00001; TOPMed 0.00001.
gnomAD v4.1: 15 of 1,614,016 alleles (0.00093%); highest among the groups gnomAD compares: African/African-American, 0.0013%; no homozygotes.

Submissions (3):

Blueprint Genetics
Classification: Uncertain significance. Last evaluated: 2023-09-26. Review status: criteria provided, single submitter. Criteria: ACMG Guidelines, 2015. Collection method: clinical testing. Allele origin: germline.

GeneDx
Classification: Uncertain significance. Last evaluated: 2023-01-16. Review status: criteria provided, single submitter. Criteria: GeneDx Variant Classification Process June 2021. Collection method: clinical testing. Allele origin: germline. Affected: yes.
Comment: Has not been previously published as pathogenic or benign to our knowledge; In silico analysis supports that this missense variant has a deleterious effect on protein structure/function; Not observed at significant frequency in large population cohorts (gnomAD)

Labcorp Genetics (formerly Invitae), Labcorp
Classification: Uncertain significance. Last evaluated: 2022-03-23. Review status: criteria provided, single submitter. Criteria: Invitae Variant Classification Sherloc (09022015). Collection method: clinical testing. Allele origin: germline.
Comment: This variant is present in population databases (no rsID available, gnomAD 0.0009%). This sequence change replaces isoleucine, which is neutral and non-polar, with phenylalanine, which is neutral and non-polar, at codon 133 of the COL9A1 protein (p.Ile133Phe). This variant has not been reported in the literature in individuals affected with COL9A1-related conditions. In summary, the available evidence is currently insufficient to determine the role of this variant in disease. Therefore, it has been classified as a Variant of Uncertain Significance. Advanced modeling of protein sequence and biophysical properties (such as structural, functional, and spatial information, amino acid conservation, physicochemical variation, residue mobility, and thermodynamic stability) performed at Invitae indicates that this missense variant is not expected to disrupt COL9A1 protein function.